The following is an entry in ClinVar:

NM_031844.3(HNRNPU):c.2059T>C (p.Ser687Pro)

Gene: HNRNPU (heterogeneous nuclear ribonucleoprotein U; minus strand). Cytogenetic location: 1q44.
Variant type: single nucleotide variant.
Coding change: c.2059T>C on transcript NM_031844.3 (MANE Select); coding-DNA position 2059, T replaced by C.
Protein change: p.Ser687Pro; replaces serine 687 with proline.
Molecular consequence: missense variant.
Genome position (GRCh38, 1-based): chr1:244,856,012, A>G on the plus strand (T>C on the coding strand, the complement: HNRNPU is on the minus strand). VCF-style: chr1-244856012-A-G. GRCh37 (hg19) VCF-style: chr1-245019314-A-G.
Other names: c.2002T>C, p.Ser668Pro (NM_004501.3); short protein forms S668P, S687P.
Identifiers: ClinVar variation 1134559 (VCV001134559.53), dbSNP rs2102985380, ClinGen allele CA345488068.
Genomic context (GRCh38, chr1:244,856,012, plus strand): 5'-TATGGCCACCACCTCTGTTAAACTGGTTCTTGCCACTCTTATTTTTATTGCTTTTCTTTG[A>G]GCCAGTGTTCTGTTTCTTTTCTGGTGGAAGAGCCTTTTTGCTTTCTTCCTTATATTGCTC-3'
Protein context (NP_114032.2, residues 677-697): LPPEKKQNTG[Ser687Pro]KKSNKNKSGK

ClinVar aggregate classification (germline): Conflicting classifications of pathogenicity. Review status: criteria provided, conflicting classifications (1 of 4 stars). 2 submissions from 2 submitters: Uncertain significance (1); Likely benign (1). Last evaluated 2025-10-01.

Conditions:
Developmental and epileptic encephalopathy, 54. Also called: Epileptic encephalopathy, early infantile, 54; HNRNPU-Related Neurodevelopmental Disorder. Identifiers: MedGen C4479319, MONDO:0033363, OMIM 617391.

Submissions (2):

CeGaT Center for Human Genetics Tuebingen
Classification: Uncertain significance. Last evaluated: 2025-10-01. Review status: criteria provided, single submitter. Criteria: CeGaT Center For Human Genetics Tuebingen Variant Classification Criteria Version 2. Collection method: clinical testing. Allele origin: germline. Affected: yes. Observed: 1 variant allele.
Comment: HNRNPU: PM2

Labcorp Genetics (formerly Invitae), Labcorp
Classification: Likely benign for Developmental and epileptic encephalopathy, 54. Last evaluated: 2020-03-06. Review status: criteria provided, single submitter. Criteria: Invitae Variant Classification Sherloc (09022015). Collection method: clinical testing. Allele origin: germline.